The following is an entry in ClinVar:

NM_001666.5(ARHGAP4):c.2560C>T (p.Arg854Cys)

Gene: ARHGAP4 (Rho GTPase activating protein 4; minus strand). Cytogenetic location: Xq28.
Variant type: single nucleotide variant.
Coding change: c.2560C>T on transcript NM_001666.5 (MANE Select); coding-DNA position 2560, C replaced by T.
Protein change: p.Arg854Cys; replaces arginine 854 with cysteine.
Molecular consequence: missense variant.
Genome position (GRCh38, 1-based): chrX:153,909,117, G>A on the plus strand (C>T on the coding strand, the complement: ARHGAP4 is on the minus strand). VCF-style: chrX-153909117-G-A. GRCh37 (hg19) VCF-style: chrX-153174571-G-A.
Other names: c.2680C>T, p.Arg894Cys (NM_001164741.2); short protein forms R854C, R894C.
Identifiers: ClinVar variation 2661748 (VCV002661748.24), dbSNP rs782393297, ClinGen allele CA10555262.

ClinVar aggregate classification (germline): Likely benign (1 of 4 stars; one submission).

Allele frequency attached by ClinVar (database versions not stated): TOPMed 0.00013; gnomAD exomes 0.00016; ExAC 0.00026; gnomAD 0.00013.
gnomAD v4.1: 186 of 1,210,136 alleles (0.015%); highest among the groups gnomAD compares: Non-Finnish European, 0.02%; no homozygotes.

Submission:

CeGaT Center for Human Genetics Tuebingen
Classification: Likely benign. Last evaluated: 2023-01-01. Review status: criteria provided, single submitter. Criteria: CeGaT Center For Human Genetics Tuebingen Variant Classification Criteria Version 2. Collection method: clinical testing. Allele origin: germline. Affected: yes. Observed: 1 variant allele.
Comment: ARHGAP4: BP4, BS2